The following is an entry in ClinVar:

ClinVar aggregate classification (germline): Likely pathogenic (1 of 4 stars; one submission).

Conditions:
Ehlers-Danlos syndrome, type 4 (EDSVASC). Also called: Ehlers-Danlos syndrome vascular type; Ehlers Danlos syndrome, ecchymotic type; Ehlers Danlos syndrome, arterial type; Ehlers Danlos syndrome, Sack-Barabas type; Ehlers-Danlos Syndrome Type IV. Identifiers: Orphanet 286, MedGen C0268338, MONDO:0017314, OMIM 130050.

Submission:

New York Genome Center
Classification: Likely pathogenic for Ehlers-Danlos syndrome, type 4. Last evaluated: 2022-01-28. Review status: criteria provided, single submitter. Criteria: NYGC Assertion Criteria 2020. Collection method: clinical testing. Allele origin: germline. Observed: 1 heterozygote.
Comment: The c.396del (p.Gly133ValfsTer32) variant identified in the COL3A1 gene is the deletion of a single nucleotide resulting in a frameshift at amino acid133/1466 (exon 4/51), and is predicted to incorporate a premature termination codon at approximately 32 amino acids downstream. This is predicted to result in either loss-of-function via nonsense mediated decay or protein truncation. This variant is absent from gnomAD(v3.1.1) suggesting it is not a common benign variant in the populations represented in that database. This variant is absent from ClinVar and to our current knowledge has not been reported in affected individuals in the literature. Multiple loss-of-function variants that are upstream to the c.396del variant have been reported in affected individuals in the literature, and studies show that variants that produced premature termination codons have reduced penetrance, life span extended, and age of first complication delayed compared with missenseand splicing variants [PMID: 21637106, 31075413, 20301667]. Based on the available evidence the c.396del (p.Gly133ValfsTer32) variant is reported as Likely Pathogenic.

NM_000090.4(COL3A1):c.396del (p.Gly133fs)

Gene: COL3A1 (collagen type III alpha 1 chain; plus strand). Cytogenetic location: 2q32.2.
Variant type: Deletion.
Coding change: c.396del on transcript NM_000090.4 (MANE Select); coding-DNA position 396, one base deleted (T; older notation c.396delT).
Protein change: p.Gly133fs; shifts the reading frame from glycine 133.
Molecular consequence: frameshift variant.
Genome position (GRCh38, 1-based): chr2:188,985,727, T deleted. VCF-style (leftmost placement, unchanged base first): chr2-188985726-CT-C. GRCh37 (hg19) VCF-style: chr2-189850452-CT-C.
Other names: c.396delT, p.Gly133Valfs (NM_000090.3); short protein forms G133fs.
Identifiers: ClinVar variation 2502249 (VCV002502249.1), dbSNP rs2469108377, ClinGen allele CA2580616651.
Genomic context (GRCh38, chr2:188,985,726, plus strand): 5'-GCCCTCCTGGTATTCCTGGGAGAAATGGTGACCCTGGTATTCCAGGACAACCAGGGTCCC[CT>C]GGTTCTCCTGGCCCCCCTGGAATCTGTGAATCATGCCCTACTGGTCCTCAGGTATAACAA-3'